The following is an entry in ClinVar:

ClinVar aggregate classification (germline): Uncertain significance (1 of 4 stars; one submission).

Submission:

Women's Health and Genetics/Laboratory Corporation of America, LabCorp
Classification: Uncertain significance. Last evaluated: 2025-02-03. Review status: criteria provided, single submitter. Criteria: LabCorp Variant Classification Summary - May 2015. Collection method: clinical testing. Allele origin: germline.
Comment: Variant summary: The variant involves the deletion of exon 1 in the CFHR1 gene. A presumed nomenclature of c.(?_-115)_(58+1_59-1)del has been designated for the purposes of this classification. The exact breakpoint at the 5' end of this variant is unknown, therefore this deletion may extend upstream of the annotated region of this gene. Although the exact breakpoints of this deletion are not known, it is predicted to remove the initiation codon and result in an absence of protein or a truncation of the encoded protein due to translation initiation at a downstream site. However, current evidence is not sufficient to establish loss of function as a mechanism for disease. The variant was absent in 21694 control chromosomes. The available data on variant occurrences in the general population are insufficient to allow any conclusion about variant significance. To our knowledge, no occurrence of c.(?_-115)_(58+1_59-1)del in individuals affected with Genetic Atypical Hemolytic Uremic Syndrome and no experimental evidence demonstrating its impact on protein function have been reported. No submitters have cited clinical-significance assessments for this variant to ClinVar. Based on the evidence outlined above, the variant was classified as uncertain significance.

NC_000001.10:g.(?_196788860)_(196789033_196794606)del

Gene: CFHR1 (complement factor H related 1; plus strand). Cytogenetic location: 1q31.3.
Variant type: Deletion.
Identifiers: ClinVar variation 3768799 (VCV003768799.1).